The following is an entry in ClinVar:

NM_004656.4(BAP1):c.1946G>A (p.Cys649Tyr)

Gene: BAP1 (BRCA1 associated deubiquitinase 1; minus strand). Cytogenetic location: 3p21.1.
Variant type: single nucleotide variant.
Coding change: c.1946G>A on transcript NM_004656.4 (MANE Select); coding-DNA position 1946, G replaced by A.
Protein change: p.Cys649Tyr; replaces cysteine 649 with tyrosine.
Molecular consequence: missense variant.
Genome position (GRCh38, 1-based): chr3:52,402,816, C>T on the plus strand (G>A on the coding strand, the complement: BAP1 is on the minus strand). VCF-style: chr3-52402816-C-T. GRCh37 (hg19) VCF-style: chr3-52436832-C-T.
Other names: c.1946G>A (LRG_529t1); short protein forms C649Y.
Identifiers: ClinVar variation 240053 (VCV000240053.57), dbSNP rs151308667, ClinGen allele CA2436654.

ClinVar aggregate classification (germline): Conflicting classifications of pathogenicity. Review status: criteria provided, conflicting classifications (1 of 4 stars). 14 submissions from 14 submitters: Uncertain significance (4); Likely benign (10). Last evaluated 2026-01-19.

Conditions:
BAP1-related disorder. Also called: BAP1-related condition.
Hereditary cancer. Identifiers: MedGen C1333600.
BAP1-related tumor predisposition syndrome (TPDS1). Also called: BAP1 tumor predisposition syndrome; Tumor susceptibility linked to germline BAP1 mutations; COMMON Syndrome; TUMOR PREDISPOSITION SYNDROME 1. Identifiers: Orphanet 289539, MedGen C3280492, MONDO:0013692, OMIM 614327.
Hereditary cancer-predisposing syndrome. Also called: Tumor predisposition; Hereditary Cancer Syndrome; Neoplastic Syndromes, Hereditary; Hereditary neoplastic syndrome. Identifiers: Orphanet 140162, MedGen C0027672, MeSH D009386, MONDO:0015356.

Allele frequency attached by ClinVar (database versions not stated): ESP Exome Variant Server 0.00008; ExAC 0.00009; gnomAD exomes 0.00009 and 0.00010; TOPMed 0.00010; gnomAD 0.00011.
gnomAD v4.1: 151 of 1,614,128 alleles (0.0094%); highest among the groups gnomAD compares: Non-Finnish European, 0.011%; 1 homozygote.

Submissions (14):

Labcorp Genetics (formerly Invitae), Labcorp
Classification: Uncertain significance for BAP1-related tumor predisposition syndrome. Last evaluated: 2026-01-19. Review status: criteria provided, single submitter. Criteria: Invitae Variant Classification Sherloc (09022015). Collection method: clinical testing. Allele origin: germline.
Comment: This sequence change replaces cysteine, which is neutral and slightly polar, with tyrosine, which is neutral and polar, at codon 649 of the BAP1 protein (p.Cys649Tyr). This variant is present in population databases (rs151308667, gnomAD 0.02%). This missense change has been observed in individual(s) with renal cell carcinoma (PMID: 24166983). ClinVar contains an entry for this variant (Variation ID: 240053). Invitae Evidence Modeling of protein sequence and biophysical properties (such as structural, functional, and spatial information, amino acid conservation, physicochemical variation, residue mobility, and thermodynamic stability) indicates that this missense variant is not expected to disrupt BAP1 protein function with a negative predictive value of 80%. Experimental studies have shown that this missense change does not substantially affect BAP1 function (PMID: 33240524, 38969833). In summary, the available evidence is currently insufficient to determine the role of this variant in disease. Therefore, it has been classified as a Variant of Uncertain Significance.

Quest Diagnostics Nichols Institute San Juan Capistrano
Classification: Likely benign. Last evaluated: 2025-09-16. Review status: criteria provided, single submitter. Criteria: Quest Diagnostics criteria. Collection method: clinical testing. Allele origin: unknown.

PreventionGenetics, part of Exact Sciences
Classification: Likely benign for BAP1-related condition. Last evaluated: 2025-09-08. Review status: criteria provided, single submitter. Criteria: ACMG Guidelines, 2015. Collection method: clinical testing. Allele origin: germline.
Comment: This variant is classified as likely benign based on ACMG/AMP sequence variant interpretation guidelines (Richards et al. 2015 PMID: 25741868, with internal and published modifications).

Center for Genomic Medicine, Rigshospitalet, Copenhagen University Hospital
Classification: Likely benign. Last evaluated: 2025-03-04. Review status: criteria provided, single submitter. Criteria: ACMG Guidelines, 2015. Collection method: clinical testing. Allele origin: germline.

Laboratory of Genetics, Children's Clinical University Hospital Latvia
Classification: Likely benign. Last evaluated: 2025-02-16. Review status: criteria provided, single submitter. Criteria: ACMG Guidelines, 2015. Collection method: clinical testing. Allele origin: germline. Affected: yes.

CeGaT Center for Human Genetics Tuebingen
Classification: Likely benign. Last evaluated: 2024-12-01. Review status: criteria provided, single submitter. Criteria: CeGaT Center For Human Genetics Tuebingen Variant Classification Criteria Version 2. Collection method: clinical testing. Allele origin: germline. Affected: yes. Observed: 1 variant allele.
Comment: BAP1: BP4, BS1

Color Diagnostics, LLC DBA Color Health
Classification: Likely benign for Hereditary cancer-predisposing syndrome. Last evaluated: 2024-09-19. Review status: criteria provided, single submitter. Criteria: ACMG Guidelines, 2015. Collection method: clinical testing. Allele origin: germline.

Blueprint Genetics
Classification: Uncertain significance. Last evaluated: 2024-09-17. Review status: criteria provided, single submitter. Criteria: ACMG Guidelines, 2015. Collection method: clinical testing. Allele origin: germline.

Mendelics
Classification: Likely benign for Hereditary cancer. Last evaluated: 2024-09-11. Review status: criteria provided, single submitter. Criteria: ACMG Guidelines, 2015. Collection method: clinical testing. Allele origin: unknown.
Comment: This variant is considered likely benign or benign based on one or more of the following: it is predicted to be benign by multiple in silico algorithms, and/or has population frequency not consistent with disease, and/or has normal protein function, and/or has lack of segregation with disease, and/or has been detected in co-occurrence with known pathogenic variant, and/or has lack of disease association in case-control studies, and/or is located in a region inconsistent with a known cause of pathogenicity.

GeneDx
Classification: Uncertain significance. Last evaluated: 2024-08-27. Review status: criteria provided, single submitter. Criteria: GeneDx Variant Classification Process June 2021. Collection method: clinical testing. Allele origin: germline. Affected: yes.
Comment: Observed in individuals with clear cell renal cell carcinoma or unspecified BAP1-related disease (PMID: 24166983, 31323388); Published functional studies suggest no damaging effect: demonstrated nuclear localization and de-ubiquitination activity comparable to wild type (PMID: 33240524); In silico analysis indicates that this missense variant does not alter protein structure/function; This variant is associated with the following publications: (PMID: 28873162, 31323388, 24166983, 33240524, 38060314)

Myriad Genetics, Inc.
Classification: Likely benign for BAP1-related tumor predisposition syndrome. Last evaluated: 2024-07-17. Review status: criteria provided, single submitter. Criteria: Myriad Autosomal Dominant, Autosomal Recessive and X-Linked Classification Criteria (2023). Collection method: clinical testing. Allele origin: unknown.
Comment: This variant is considered likely benign. This variant has been observed at a population frequency that is significantly greater than expected given the associated disease prevalence and penetrance.

Ambry Genetics
Classification: Likely benign for Hereditary cancer-predisposing syndrome. Last evaluated: 2023-02-06. Review status: criteria provided, single submitter. Criteria: Ambry Variant Classification Scheme 2023. Collection method: clinical testing. Allele origin: germline.

Institute for Clinical Genetics, University Hospital TU Dresden, University Hospital TU Dresden
Classification: Uncertain significance. Last evaluated: 2021-11-03. Review status: criteria provided, single submitter. Criteria: ACMG Guidelines, 2015. Collection method: clinical testing. Allele origin: germline.

Sema4
Classification: Likely benign for Hereditary cancer-predisposing syndrome. Last evaluated: 2020-10-13. Review status: criteria provided, single submitter. Criteria: Sema4 Curation Guidelines. Collection method: curation. Allele origin: germline.

Literature cited by the submitters: PubMed 24166983 (cited by 3 submitters); PubMed 33240524 (cited by 3 submitters); PubMed 38969833 (cited by Labcorp Genetics (formerly Invitae), Labcorp and Center for Genomic Medicine, Rigshospitalet, Copenhagen University Hospital); PubMed 31323388 (cited by Quest Diagnostics Nichols Institute San Juan Capistrano and Ambry Genetics).